The following is an entry in ClinVar:

ClinVar aggregate classification (germline): Uncertain significance (1 of 4 stars; one submission).

Conditions:
Severe combined immunodeficiency due to DCLRE1C deficiency (RS-SCID). Also called: SCID, AUTOSOMAL RECESSIVE, T CELL-NEGATIVE, B CELL-NEGATIVE, NK CELL-POSITIVE, WITH SENSITIVITY TO IONIZING RADIATION. Identifiers: Orphanet 275, MedGen C1865371, MONDO:0011225, OMIM 602450.

Submission:

Labcorp Genetics (formerly Invitae), Labcorp
Classification: Uncertain significance for Athabaskan severe combined immunodeficiency. Last evaluated: 2021-06-29. Review status: criteria provided, single submitter. Criteria: Invitae Variant Classification Sherloc (09022015). Collection method: clinical testing. Allele origin: germline.
Comment: This variant results in a copy number gain of the genomic region encompassing exon(s) 4 of the DCLRE1C gene. While the exact position of this variant cannot be determined from the data, sub-genic copy number gains are generally in tandem (PMID: 25640679). This variant is predicted to be in-frame, and likely preserves the integrity of the reading frame. This variant has not been reported in the literature in individuals affected with DCLRE1C-related conditions. Experimental studies and prediction algorithms are not available or were not evaluated, and the functional significance of this variant is currently unknown. In summary, the available evidence is currently insufficient to determine the role of this variant in disease. Therefore, it has been classified as a Variant of Uncertain Significance.

Literature cited by the submitters: PubMed 25640679.

NC_000010.10:g.(?_14981799)_(14981878_?)dup

Gene: DCLRE1C (DNA cross-link repair 1C; minus strand). Cytogenetic location: 10p13.
Variant type: Duplication.
Identifiers: ClinVar variation 2423520 (VCV002423520.3).